The following is an entry in ClinVar:

ClinVar aggregate classification (germline): Uncertain significance (1 of 4 stars; one submission).

Submission:

Women's Health and Genetics/Laboratory Corporation of America, LabCorp
Classification: Uncertain significance. Last evaluated: 2024-07-10. Review status: criteria provided, single submitter. Criteria: LabCorp Variant Classification Summary - May 2015. Collection method: clinical testing. Allele origin: germline.
Comment: Variant summary: NEDD4L c.877C>T (p.Pro293Ser) results in a non-conservative amino acid change in the encoded protein sequence. Three of five in-silico tools predict a benign effect of the variant on protein function. The variant was absent in 249022 control chromosomes. The available data on variant occurrences in the general population are insufficient to allow any conclusion about variant significance. To our knowledge, no occurrence of c.877C>T in individuals affected with Periventricular Nodular Heterotopia 7 and no experimental evidence demonstrating its impact on protein function have been reported. No submitters have cited clinical-significance assessments for this variant to ClinVar. Based on the evidence outlined above, the variant was classified as uncertain significance.

NM_001144967.3(NEDD4L):c.877C>T (p.Pro293Ser)

Gene: NEDD4L (NEDD4 like E3 ubiquitin protein ligase; plus strand). Cytogenetic location: 18q21.31.
Variant type: single nucleotide variant.
Coding change: c.877C>T on transcript NM_001144967.3 (MANE Select); coding-DNA position 877, C replaced by T.
Protein change: p.Pro293Ser; replaces proline 293 with serine.
Molecular consequence: missense variant.
Genome position (GRCh38, 1-based): chr18:58,330,801, C>T. VCF-style: chr18-58330801-C-T. GRCh37 (hg19) VCF-style: chr18-55998033-C-T.
Other names: c.514C>T, p.Pro172Ser (NM_001144964.1, NM_001144965.2, NM_001144966.3 and 2 more transcripts); c.853C>T, p.Pro285Ser (NM_001144968.2, NM_001144969.2); c.877C>T, p.Pro293Ser (NM_001243960.2, NM_015277.6); short protein forms P172S, P285S, P293S.
Identifiers: ClinVar variation 3338987 (VCV003338987.1).
Genomic context (GRCh38, chr18:58,330,801, plus strand): 5'-TGGGAGACCATTTCAGAGGAAGTGAATATCGCTGGAGACTCTCTCGGTCTGGCTCTGCCC[C>T]CACCACCGGCCTCCCCAGGATCTCGGACCAGCCCTCAGGAGCTGTCAGAGGAACTAAGCA-3'
Protein context (NP_001138439.1, residues 283-303): AGDSLGLALP[Pro293Ser]PPASPGSRTS